The following is an entry in ClinVar:

ClinVar aggregate classification (germline): Uncertain significance (1 of 4 stars; one submission).

Allele frequency attached by ClinVar (database versions not stated): gnomAD exomes 0.00001; ExAC 0.00002; gnomAD 0.00002; TOPMed 0.00002.
gnomAD v4.1: 14 of 1,613,910 alleles (0.00087%); highest among the groups gnomAD compares: Admixed American, 0.0017%; no homozygotes.

Submission:

Labcorp Genetics (formerly Invitae), Labcorp
Classification: Uncertain significance. Last evaluated: 2021-08-26. Review status: criteria provided, single submitter. Criteria: Invitae Variant Classification Sherloc (09022015). Collection method: clinical testing. Allele origin: germline.
Comment: Algorithms developed to predict the effect of missense changes on protein structure and function output the following: SIFT: "Tolerated"; PolyPhen-2: "Benign"; Align-GVGD: "Class C0". The tyrosine amino acid residue is found in multiple mammalian species, which suggests that this missense change does not adversely affect protein function. In summary, the available evidence is currently insufficient to determine the role of this variant in disease. Therefore, it has been classified as a Variant of Uncertain Significance. This variant has not been reported in the literature in individuals affected with SLC7A14-related conditions. This sequence change replaces histidine with tyrosine at codon 23 of the SLC7A14 protein (p.His23Tyr). The histidine residue is moderately conserved and there is a moderate physicochemical difference between histidine and tyrosine. This variant is present in population databases (rs778979333, ExAC 0.009%).

NM_020949.3(SLC7A14):c.67C>T (p.His23Tyr)

Genes: SLC7A14 (solute carrier family 7 member 14; minus strand), SLC7A14-AS1 (SLC7A14 antisense RNA 1; plus strand). Cytogenetic location: 3q26.2.
Variant type: single nucleotide variant.
Coding change: c.67C>T on transcript NM_020949.3 (MANE Select); coding-DNA position 67, C replaced by T.
Protein change: p.His23Tyr; replaces histidine 23 with tyrosine.
Molecular consequence: missense variant.
Genome position (GRCh38, 1-based): chr3:170,526,870, G>A on the plus strand (C>T on the coding strand, the complement: SLC7A14 is on the minus strand). VCF-style: chr3-170526870-G-A. GRCh37 (hg19) VCF-style: chr3-170244659-G-A.
Other names: short protein forms H23Y.
Identifiers: ClinVar variation 1347966 (VCV001347966.6), dbSNP rs778979333, ClinGen allele CA2702017.